The following is an entry in ClinVar:

NM_019851.3(FGF20):c.88G>A (p.Ala30Thr)

Gene: FGF20 (fibroblast growth factor 20; minus strand). Cytogenetic location: 8p22.
Variant type: single nucleotide variant.
Coding change: c.88G>A on transcript NM_019851.3 (MANE Select); coding-DNA position 88, G replaced by A.
Protein change: p.Ala30Thr; replaces alanine 30 with threonine.
Molecular consequence: missense variant.
Genome position (GRCh38, 1-based): chr8:17,001,945, C>T on the plus strand (G>A on the coding strand, the complement: FGF20 is on the minus strand). VCF-style: chr8-17001945-C-T. GRCh37 (hg19) VCF-style: chr8-16859454-C-T.
Other names: short protein forms A30T.
Identifiers: ClinVar variation 2868180 (VCV002868180.3), dbSNP rs1388551553, ClinGen allele CA370395821.

ClinVar aggregate classification (germline): Uncertain significance (1 of 4 stars; one submission).

Allele frequency attached by ClinVar (database versions not stated): gnomAD 0.00001; TOPMed 0.00002; gnomAD exomes 0.00008.
gnomAD v4.1: 99 of 1,498,748 alleles (0.0066%); highest among the groups gnomAD compares: Non-Finnish European, 0.0085%; no homozygotes.

Submission:

Labcorp Genetics (formerly Invitae), Labcorp
Classification: Uncertain significance. Last evaluated: 2023-07-07. Review status: criteria provided, single submitter. Criteria: Invitae Variant Classification Sherloc (09022015). Collection method: clinical testing. Allele origin: germline.
Comment: This sequence change replaces alanine, which is neutral and non-polar, with threonine, which is neutral and polar, at codon 30 of the FGF20 protein (p.Ala30Thr). The frequency data for this variant in the population databases is considered unreliable, as metrics indicate poor data quality at this position in the gnomAD database. This variant has not been reported in the literature in individuals affected with FGF20-related conditions. An algorithm developed to predict the effect of missense changes on protein structure and function (PolyPhen-2) suggests that this variant is likely to be tolerated. In summary, the available evidence is currently insufficient to determine the role of this variant in disease. Therefore, it has been classified as a Variant of Uncertain Significance.